The following is an entry in ClinVar:

NM_001369369.1(FOXN1):c.928-5G>A

Gene: FOXN1 (forkhead box N1; plus strand). Cytogenetic location: 17q11.2.
Variant type: single nucleotide variant.
Coding change: c.928-5G>A on transcript NM_001369369.1 (MANE Select); 5 bases into the intron before coding-DNA position 928, G replaced by A.
Molecular consequence: intron variant.
Genome position (GRCh38, 1-based): chr17:28,534,326, G>A. VCF-style: chr17-28534326-G-A. GRCh37 (hg19) VCF-style: chr17-26861344-G-A.
Other names: c.928-5G>A (NM_003593.3).
Identifiers: ClinVar variation 2900571 (VCV002900571.3), dbSNP rs372119294, ClinGen allele CA8459410.

ClinVar aggregate classification (germline): Uncertain significance (1 of 4 stars; one submission).

Conditions:
T-cell immunodeficiency, congenital alopecia, and nail dystrophy. Also called: Congenital alopecia and nail dystrophy associated with severe functional T-cell immunodeficiency; Pignata Guarino syndrome. Identifiers: Orphanet 169095, MedGen C1866426, MONDO:0011132, OMIM 601705.

Allele frequency attached by ClinVar (database versions not stated): ExAC 0.00002; gnomAD 0.00003; TOPMed 0.00003; ESP Exome Variant Server 0.00008.
gnomAD v4.1: 25 of 1,613,982 alleles (0.0015%); highest among the groups gnomAD compares: East Asian, 0.0022%; no homozygotes.

Submission:

Labcorp Genetics (formerly Invitae), Labcorp
Classification: Uncertain significance for T-cell immunodeficiency, congenital alopecia, and nail dystrophy. Last evaluated: 2023-12-22. Review status: criteria provided, single submitter. Criteria: Invitae Variant Classification Sherloc (09022015). Collection method: clinical testing. Allele origin: germline.
Comment: This sequence change falls in intron 5 of the FOXN1 gene. It does not directly change the encoded amino acid sequence of the FOXN1 protein. This variant is present in population databases (rs372119294, gnomAD 0.005%). This variant has not been reported in the literature in individuals affected with FOXN1-related conditions. Algorithms developed to predict the effect of sequence changes on RNA splicing suggest that this variant may create or strengthen a splice site. In summary, the available evidence is currently insufficient to determine the role of this variant in disease. Therefore, it has been classified as a Variant of Uncertain Significance.